The following is an entry in ClinVar:

ClinVar aggregate classification (germline): Uncertain significance (1 of 4 stars; one submission).

Submissions (2):

Labcorp Genetics (formerly Invitae), Labcorp
Classification: Uncertain significance. Last evaluated: 2022-06-14. Review status: criteria provided, single submitter. Criteria: Invitae Variant Classification Sherloc (09022015). Collection method: clinical testing. Allele origin: germline.
Comment: In summary, the available evidence is currently insufficient to determine the role of this variant in disease. Therefore, it has been classified as a Variant of Uncertain Significance. Variants that disrupt the consensus splice site are a relatively common cause of aberrant splicing (PMID: 17576681, 9536098). Algorithms developed to predict the effect of sequence changes on RNA splicing suggest that this variant is not likely to affect RNA splicing. This variant has not been reported in the literature in individuals affected with PAFAH1B1-related conditions. This variant is not present in population databases (gnomAD no frequency). This sequence change falls in intron 10 of the PAFAH1B1 gene. It does not directly change the encoded amino acid sequence of the PAFAH1B1 protein. It affects a nucleotide within the consensus splice site.

Dr. Peter K. Rogan Lab, Western University
No classification provided (evidence only). Condition: Cervical cancer. Review status: no classification provided. Collection method: in vitro. Allele origin: not applicable. Functional consequence: retained intron. Not counted in ClinVar's aggregate classification.

Literature cited by the submitters: PubMed 17576681 (cited by Labcorp Genetics (formerly Invitae), Labcorp); PubMed 9536098 (cited by Labcorp Genetics (formerly Invitae), Labcorp).

NM_000430.4(PAFAH1B1):c.1160-3C>T

Gene: PAFAH1B1 (platelet activating factor acetylhydrolase 1b regulatory subunit 1; plus strand). Cytogenetic location: 17p13.3.
Variant type: single nucleotide variant.
Coding change: c.1160-3C>T on transcript NM_000430.4 (MANE Select); 3 bases into the intron before coding-DNA position 1160, C replaced by T.
Molecular consequence: intron variant.
Genome position (GRCh38, 1-based): chr17:2,681,726, C>T. VCF-style: chr17-2681726-C-T. GRCh37 (hg19) VCF-style: chr17-2585020-C-T.
Identifiers: ClinVar variation 2006069 (VCV002006069.5), dbSNP rs2544124867, ClinGen allele CA645593701.